The following is an entry in ClinVar:

ClinVar aggregate classification (germline): Likely benign. Review status: criteria provided, multiple submitters, no conflicts (2 of 4 stars). 2 submissions from 2 submitters: Likely benign (2). Last evaluated 2017-12-19.

Allele frequency attached by ClinVar (database versions not stated): TOPMed 0.00002.

Submissions (2):

Labcorp Genetics (formerly Invitae), Labcorp
Classification: Likely benign. Last evaluated: 2017-12-19. Review status: criteria provided, single submitter. Criteria: Invitae Variant Classification Sherloc (09022015). Collection method: clinical testing. Allele origin: germline.

GeneDx
Classification: Likely benign. Last evaluated: 2016-12-05. Review status: criteria provided, single submitter. Criteria: GeneDx Variant Classification (06012015). Collection method: clinical testing. Allele origin: germline. Affected: yes.
Comment: This variant is considered likely benign or benign based on one or more of the following criteria: it is a conservative change, it occurs at a poorly conserved position in the protein, it is predicted to be benign by multiple in silico algorithms, and/or has population frequency not consistent with disease.

NM_005050.4(ABCD4):c.996G>A (p.Thr332=)

Gene: ABCD4 (ATP binding cassette subfamily D member 4; minus strand). Cytogenetic location: 14q24.3.
Variant type: single nucleotide variant.
Coding change: c.996G>A on transcript NM_005050.4 (MANE Select); coding-DNA position 996, G replaced by A.
Protein change: p.Thr332=; no amino-acid change (threonine 332 retained).
Molecular consequence: synonymous variant. On other transcripts: non-coding transcript variant (10).
Genome position (GRCh38, 1-based): chr14:74,292,583, C>T on the plus strand (G>A on the coding strand, the complement: ABCD4 is on the minus strand). VCF-style: chr14-74292583-C-T. GRCh37 (hg19) VCF-style: chr14-74759286-C-T.
Other names: c.870G>A, p.Thr290= (NM_001353591.2, NM_001353592.2); c.735G>A, p.Thr245= (NM_001353593.2); c.684G>A, p.Thr228= (NM_001353594.2); c.582G>A, p.Thr194= (NM_001353595.2, NM_001353596.2); c.531G>A, p.Thr177= (NM_001353597.2); c.519G>A, p.Thr173= (NM_001353598.2, NM_001353599.2, NM_001353600.2 and 2 more transcripts); c.207G>A, p.Thr69= (NM_001353602.2, NM_001353603.2, NM_001353604.2 and 6 more transcripts); c.996G>A, p.Thr332= (NM_020325.3).
Identifiers: ClinVar variation 506713 (VCV000506713.4), dbSNP rs765914441, ClinGen allele CA7266975.